The following is an entry in ClinVar:

NC_000002.11:g.(?_27667299)_(27677547_?)dup

Genes: IFT172 (intraflagellar transport 172; minus strand), KRTCAP3 (keratinocyte associated protein 3; plus strand). Cytogenetic location: 2p23.3.
Variant type: Duplication.
Identifiers: ClinVar variation 1446984 (VCV001446984.4).

ClinVar aggregate classification (germline): Uncertain significance (1 of 4 stars; one submission).

Conditions:
Short-rib thoracic dysplasia 10 with or without polydactyly (SRTD10). Identifiers: Orphanet 474, MedGen C3810175, MONDO:0014284, OMIM 615630.
Retinitis pigmentosa 71 (RP71). Identifiers: Orphanet 791, MedGen C4225342, MONDO:0014618, OMIM 616394.

Submission:

Labcorp Genetics (formerly Invitae), Labcorp
Classification: Uncertain significance for Retinitis pigmentosa 71; Short-rib thoracic dysplasia 10 with or without polydactyly. Last evaluated: 2021-11-03. Review status: criteria provided, single submitter. Criteria: Invitae Variant Classification Sherloc (09022015). Collection method: clinical testing. Allele origin: germline.
Comment: This variant has not been reported in the literature in individuals affected with IFT172-related conditions. This variant results in a copy number gain of the genomic region encompassing exon(s) 31-48 of the IFT172 gene. This region includes the termination codon of the gene. This copy number gain extends beyond the assayed region for this gene and therefore may encompass additional genes. As the precise location of this event is unknown, it may be in tandem or it may be located elsewhere in the genome. In summary, the available evidence is currently insufficient to determine the role of this variant in disease. Therefore, it has been classified as a Variant of Uncertain Significance.